The following is an entry in ClinVar:

ClinVar aggregate classification (germline): Benign. Review status: criteria provided, multiple submitters, no conflicts (2 of 4 stars). 5 submissions from 5 submitters: Benign (5). Last evaluated 2026-02-03.

Conditions:
Autosomal dominant nonsyndromic hearing loss 1. Also called: KONIGSMARK SYNDROME; DEAFNESS, AUTOSOMAL DOMINANT 1, WITH OR WITHOUT THROMBOCYTOPENIA. Identifiers: Orphanet 90635, MedGen C1852282, MONDO:0007424, OMIM 124900.
Progressive microcephaly-seizures-cortical blindness-developmental delay syndrome. Also called: Seizures, cortical blindness, and microcephaly syndrome. Identifiers: Orphanet 477814, MedGen C5567650, MONDO:0014714, OMIM 616632.

Allele frequency attached by ClinVar (database versions not stated): gnomAD exomes 0.00219 and 0.00080; ExAC 0.00274; ESP Exome Variant Server 0.00847; gnomAD 0.00893 and 0.00955; TOPMed 0.01015; 1000 Genomes Project 0.01118; 1000 Genomes Project 30x 0.01234.
gnomAD v4.1: 2,582 of 1,614,236 alleles (0.16%); highest among the groups gnomAD compares: African/African-American, 3.1%; 43 homozygotes.

Submissions (5):

Labcorp Genetics (formerly Invitae), Labcorp
Classification: Benign for Progressive microcephaly-seizures-cortical blindness-developmental delay syndrome; Autosomal dominant nonsyndromic hearing loss 1. Last evaluated: 2026-02-03. Review status: criteria provided, single submitter. Criteria: Invitae Variant Classification Sherloc (09022015). Collection method: clinical testing. Allele origin: germline.

Mayo Clinic Laboratories, Mayo Clinic
Classification: Benign. Last evaluated: 2023-12-13. Review status: criteria provided, single submitter. Criteria: ACMG Guidelines, 2015. Collection method: clinical testing. Allele origin: germline. Observed: 14 variant alleles.
Comment: BS1, BS2, BP4, BP7

GeneDx
Classification: Benign. Last evaluated: 2018-01-15. Review status: criteria provided, single submitter. Criteria: GeneDx Variant Classification (06012015). Collection method: clinical testing. Allele origin: germline. Affected: yes.
Comment: This variant is considered likely benign or benign based on one or more of the following criteria: it is a conservative change, it occurs at a poorly conserved position in the protein, it is predicted to be benign by multiple in silico algorithms, and/or has population frequency not consistent with disease.

Illumina Laboratory Services, Illumina
Classification: Benign for Autosomal dominant nonsyndromic hearing loss 1. Last evaluated: 2018-01-12. Review status: criteria provided, single submitter. Criteria: ICSL Variant Classification Criteria 13 December 2019. Collection method: clinical testing. Allele origin: germline.
Comment: This variant was observed in the ICSL laboratory as part of a predisposition screen in an ostensibly healthy population. It had not been previously curated by ICSL or reported in the Human Gene Mutation Database (HGMD: prior to June 1st, 2018), and was therefore a candidate for classification through an automated scoring system. Utilizing variant allele frequency, disease prevalence and penetrance estimates, and inheritance mode, an automated score was calculated to assess if this variant is too frequent to cause the disease. Based on the score and internal cut-off values, a variant classified as benign is not then subjected to further curation. The score for this variant resulted in a classification of benign for this disease.

Laboratory for Molecular Medicine, Mass General Brigham Personalized Medicine
Classification: Benign. Last evaluated: 2012-05-07. Review status: criteria provided, single submitter. Criteria: LMM Criteria. Collection method: clinical testing. Allele origin: germline. Observed: 9 variant alleles.
Comment: "Glu1255Glu in Exon 28 of DIAPH1: This variant is not expected to have clinical significance because it does not alter an amino acid residue, is not located wit hin the splice consensus sequence, and has been identified in 2.2% (79/3520) of African American chromosomes from a broad population by the NHLBI Exome Sequenci ng Project (dbSNP rs35755269)."

NM_005219.5(DIAPH1):c.3765G>A (p.Glu1255=)

Gene: DIAPH1 (diaphanous related formin 1; minus strand). Cytogenetic location: 5q31.3.
Variant type: single nucleotide variant.
Coding change: c.3765G>A on transcript NM_005219.5 (MANE Select); coding-DNA position 3765, G replaced by A.
Protein change: p.Glu1255=; no amino-acid change (glutamic acid 1255 retained).
Molecular consequence: synonymous variant. On other transcripts: 3 prime UTR variant (1).
Genome position (GRCh38, 1-based): chr5:141,516,905, C>T on the plus strand (G>A on the coding strand, the complement: DIAPH1 is on the minus strand). VCF-style: chr5-141516905-C-T. GRCh37 (hg19) VCF-style: chr5-140896472-C-T.
Other names: p.Glu1255=; c.3738G>A, p.Glu1246= (NM_001079812.3); c.*65G>A (NM_001314007.2).
Identifiers: ClinVar variation 178606 (VCV000178606.19), dbSNP rs35755269, ClinGen allele CA182644.